The following is an entry in ClinVar:

ClinVar aggregate classification (germline): Likely benign. Review status: criteria provided, multiple submitters, no conflicts (2 of 4 stars). 3 submissions from 3 submitters: Likely benign (3). Last evaluated 2025-11-23.

Conditions:
TIMP3-related disorder. Also called: TIMP3-related condition.

Allele frequency attached by ClinVar (database versions not stated): ESP Exome Variant Server 0.00008; ExAC 0.00015; gnomAD exomes 0.00016 and 0.00022.
gnomAD v4.1: 338 of 1,613,454 alleles (0.021%); highest among the groups gnomAD compares: Non-Finnish European, 0.026%; no homozygotes.

Submissions (3):

Labcorp Genetics (formerly Invitae), Labcorp
Classification: Likely benign. Last evaluated: 2025-11-23. Review status: criteria provided, single submitter. Criteria: Invitae Variant Classification Sherloc (09022015). Collection method: clinical testing. Allele origin: germline.

PreventionGenetics, part of Exact Sciences
Classification: Likely benign for TIMP3-related condition. Last evaluated: 2025-02-10. Review status: criteria provided, single submitter. Criteria: ACMG Guidelines, 2015. Collection method: clinical testing. Allele origin: germline.
Comment: This variant is classified as likely benign based on ACMG/AMP sequence variant interpretation guidelines (Richards et al. 2015 PMID: 25741868, with internal and published modifications).

Blueprint Genetics
Classification: Likely benign. Last evaluated: 2024-10-11. Review status: criteria provided, single submitter. Criteria: ACMG Guidelines, 2015. Collection method: clinical testing. Allele origin: germline.

NM_000362.5(TIMP3):c.177G>A (p.Thr59=)

Genes: SYN3 (synapsin III; minus strand), TIMP3 (TIMP metallopeptidase inhibitor 3; plus strand). Cytogenetic location: 22q12.3.
Variant type: single nucleotide variant.
Coding change: c.177G>A on transcript NM_000362.5 (MANE Select); coding-DNA position 177, G replaced by A.
Protein change: p.Thr59=; no amino-acid change (threonine 59 retained).
Molecular consequence: synonymous variant. On other transcripts: intron variant (7).
Genome position (GRCh38, 1-based): chr22:32,849,507, G>A. VCF-style: chr22-32849507-G-A. GRCh37 (hg19) VCF-style: chr22-33245494-G-A.
Other names: c.708+15408C>T (NM_001369909.1, NM_001135774.2, NM_001369910.1); c.711+15408C>T (NM_001369907.1, NM_003490.4, NM_001369908.1 and 1 more transcripts); c.177G>A (NM_000362.4).
Identifiers: ClinVar variation 1130131 (VCV001130131.11), dbSNP rs372960245, ClinGen allele CA10202184.